The following is an entry in ClinVar:

NM_000245.4(MET):c.2913C>T (p.Tyr971=)

Gene: MET (MET proto-oncogene, receptor tyrosine kinase; plus strand). Cytogenetic location: 7q31.2.
Variant type: single nucleotide variant.
Coding change: c.2913C>T on transcript NM_000245.4 (MANE Select); coding-DNA position 2913, C replaced by T.
Protein change: p.Tyr971=; no amino-acid change (tyrosine 971 retained).
Molecular consequence: synonymous variant.
Genome position (GRCh38, 1-based): chr7:116,771,874, C>T. VCF-style: chr7-116771874-C-T. GRCh37 (hg19) VCF-style: chr7-116411928-C-T.
Other names: c.2967C>T (LRG_662t1, NM_001127500.2); c.2967C>T, p.Tyr989= (NM_001127500.3); c.1623C>T, p.Tyr541= (NM_001324402.2).
Identifiers: ClinVar variation 215792 (VCV000215792.24), dbSNP rs371379572, ClinGen allele CA338041.
Genomic context (GRCh38, chr7:116,771,874, plus strand): 5'-TCTTTAACAAGCTCTTTCTTTCTCTCTGTTTTAAGATCTGGGCAGTGAATTAGTTCGCTA[C>T]GATGCAAGAGTACACACTCCTCATTTGGATAGGCTTGTAAGTGCCCGAAGTGTAAGCCCA-3'
Protein context (NP_000236.2, residues 961-981): IKDLGSELVR[Tyr971=]DARVHTPHLD

ClinVar aggregate classification (germline): Benign/Likely benign. Review status: criteria provided, multiple submitters, no conflicts (2 of 4 stars). 8 submissions from 8 submitters: Benign (1); Likely benign (6). 1 of the submissions does not count toward it. Last evaluated 2026-01-11.

Conditions:
MET-related disorder. Also called: MET-related condition.
Renal cell carcinoma. Identifiers: Orphanet 217071, MedGen C0007134, MeSH D002292, MONDO:0005086, HP:0005584.
Hereditary cancer-predisposing syndrome. Also called: Hereditary neoplastic syndrome; Neoplastic Syndromes, Hereditary; Tumor predisposition; Hereditary Cancer Syndrome. Identifiers: Orphanet 140162, MedGen C0027672, MeSH D009386, MONDO:0015356.
Papillary renal cell carcinoma type 1 (RCCP1). Also called: RENAL CELL CARCINOMA, PAPILLARY, 1, SOMATIC; Renal adenocarcinoma; Renal cell carcinoma 1; Renal cell carcinoma, somatic. Identifiers: Orphanet 47044, MedGen C1336839, OMIM 605074, HP:0011797.

Allele frequency attached by ClinVar (database versions not stated): gnomAD exomes 0.00003 and 0.00004; gnomAD 0.00004 and 0.00005; ExAC 0.00006; TOPMed 0.00007; 1000 Genomes Project 0.00020; 1000 Genomes Project 30x 0.00031.
gnomAD v4.1: 53 of 1,613,748 alleles (0.0033%); highest among the groups gnomAD compares: South Asian, 0.02%; no homozygotes.

Submissions (8):

Labcorp Genetics (formerly Invitae), Labcorp
Classification: Likely benign for Renal cell carcinoma. Last evaluated: 2026-01-11. Review status: criteria provided, single submitter. Criteria: Invitae Variant Classification Sherloc (09022015). Collection method: clinical testing. Allele origin: germline.

Center for Genomic Medicine, Rigshospitalet, Copenhagen University Hospital
Classification: Likely benign. Last evaluated: 2025-12-29. Review status: criteria provided, single submitter. Criteria: ACMG Guidelines, 2015. Collection method: clinical testing. Allele origin: germline.

Quest Diagnostics Nichols Institute San Juan Capistrano
Classification: Likely benign. Last evaluated: 2025-06-17. Review status: criteria provided, single submitter. Criteria: Quest Diagnostics criteria. Collection method: clinical testing. Allele origin: unknown.

Myriad Genetics, Inc.
Classification: Benign for Papillary renal cell carcinoma type 1. Last evaluated: 2024-11-12. Review status: criteria provided, single submitter. Criteria: Myriad Autosomal Dominant, Autosomal Recessive and X-Linked Classification Criteria (2023). Collection method: clinical testing. Allele origin: unknown.
Comment: This variant is considered benign. This variant is a silent/synonymous amino acid change and it is not expected to impact splicing.

Sema4
Classification: Likely benign for Hereditary cancer-predisposing syndrome. Last evaluated: 2021-03-23. Review status: criteria provided, single submitter. Criteria: Sema4 Curation Guidelines. Collection method: curation. Allele origin: germline.

GeneDx
Classification: Likely benign. Last evaluated: 2021-02-09. Review status: criteria provided, single submitter. Criteria: GeneDx Variant Classification Process June 2021. Collection method: clinical testing. Allele origin: germline. Affected: yes.

Ambry Genetics
Classification: Likely benign for Hereditary cancer-predisposing syndrome. Last evaluated: 2019-06-15. Review status: criteria provided, single submitter. Criteria: Ambry Variant Classification Scheme 2023. Collection method: clinical testing. Allele origin: germline.

PreventionGenetics, part of Exact Sciences
Classification: Likely benign for MET-related condition. Last evaluated: 2020-05-11. Review status: no assertion criteria provided. Collection method: clinical testing. Allele origin: germline. Not counted in ClinVar's aggregate classification.
Comment: This variant is classified as likely benign based on ACMG/AMP sequence variant interpretation guidelines (Richards et al. 2015 PMID: 25741868, with internal and published modifications).